The following is an entry in ClinVar:

ClinVar aggregate classification (germline): Uncertain significance. Review status: criteria provided, multiple submitters, no conflicts (2 of 4 stars). 2 submissions from 2 submitters: Uncertain significance (2). Last evaluated 2026-01-19.

Conditions:
Familial adenomatous polyposis 1 (FAP1). Also called: FAMILIAL ADENOMATOUS POLYPOSIS 1, ATTENUATED; POLYPOSIS, ADENOMATOUS INTESTINAL. Identifiers: MedGen C2713442, MONDO:0021056, OMIM 175100. Disease mechanism: loss of function.
Hereditary cancer-predisposing syndrome. Also called: Neoplastic Syndromes, Hereditary; Tumor predisposition; Hereditary neoplastic syndrome; Hereditary Cancer Syndrome. Identifiers: Orphanet 140162, MedGen C0027672, MeSH D009386, MONDO:0015356.

Submissions (2):

Labcorp Genetics (formerly Invitae), Labcorp
Classification: Uncertain significance for Familial adenomatous polyposis 1. Last evaluated: 2026-01-19. Review status: criteria provided, single submitter. Criteria: Invitae Variant Classification Sherloc (09022015). Collection method: clinical testing. Allele origin: germline.
Comment: This sequence change replaces asparagine, which is neutral and polar, with aspartic acid, which is acidic and polar, at codon 2700 of the APC protein (p.Asn2700Asp). This variant is not present in population databases (gnomAD no frequency). This variant has not been reported in the literature in individuals affected with APC-related conditions. ClinVar contains an entry for this variant (Variation ID: 661407). Invitae Evidence Modeling of protein sequence and biophysical properties (such as structural, functional, and spatial information, amino acid conservation, physicochemical variation, residue mobility, and thermodynamic stability) indicates that this missense variant is not expected to disrupt APC protein function with a negative predictive value of 95%. In summary, the available evidence is currently insufficient to determine the role of this variant in disease. Therefore, it has been classified as a Variant of Uncertain Significance.

Ambry Genetics
Classification: Uncertain significance for Hereditary cancer-predisposing syndrome. Last evaluated: 2023-11-30. Review status: criteria provided, single submitter. Criteria: Ambry Variant Classification Scheme 2023. Collection method: clinical testing. Allele origin: germline.
Comment: The p.N2700D variant (also known as c.8098A>G), located in coding exon 15 of the APC gene, results from an A to G substitution at nucleotide position 8098. The asparagine at codon 2700 is replaced by aspartic acid, an amino acid with highly similar properties. This amino acid position is not well conserved in available vertebrate species. In addition, in silico predictors for this gene do not accurately predict pathogenicity. Since supporting evidence is limited at this time, the clinical significance of this alteration remains unclear.

NM_000038.6(APC):c.8098A>G (p.Asn2700Asp)

Gene: APC (APC regulator of Wnt signaling pathway; plus strand). Cytogenetic location: 5q22.2.
Variant type: single nucleotide variant.
Coding change: c.8098A>G on transcript NM_000038.6 (MANE Select); coding-DNA position 8098, A replaced by G.
Protein change: p.Asn2700Asp; replaces asparagine 2700 with aspartic acid.
Molecular consequence: missense variant.
Genome position (GRCh38, 1-based): chr5:112,843,692, A>G. VCF-style: chr5-112843692-A-G. GRCh37 (hg19) VCF-style: chr5-112179389-A-G.
Other names: c.8098A>G, p.Asn2700Asp (NM_001127510.3, NM_001354895.2); c.8044A>G, p.Asn2682Asp (NM_001127511.3); c.8152A>G, p.Asn2718Asp (NM_001354896.2); c.8128A>G, p.Asn2710Asp (NM_001354897.2); c.8023A>G, p.Asn2675Asp (NM_001354898.2); c.8014A>G, p.Asn2672Asp (NM_001354899.2); c.7975A>G, p.Asn2659Asp (NM_001354900.2); c.7921A>G, p.Asn2641Asp (NM_001354901.2); and 5 more; short protein forms N2540D, N2609D, N2700D, N2659D, N2682D, N2641D, N2675D, N2710D.
Identifiers: ClinVar variation 661407 (VCV000661407.11), dbSNP rs1485583302, ClinGen allele CA16038917.